The following is an entry in ClinVar:

ClinVar aggregate classification (germline): Likely pathogenic (1 of 4 stars; one submission).

Conditions:
Familial hypokalemia-hypomagnesemia (GTLMNS). Also called: POTASSIUM AND MAGNESIUM DEPLETION; HYPOMAGNESEMIA-HYPOKALEMIA, PRIMARY RENOTUBULAR, WITH HYPOCALCIURIA; gitelman syndrome. Identifiers: Orphanet 358, MedGen C0268450, MONDO:0009904, OMIM 263800.

Submission:

Natera, Inc.
Classification: Likely pathogenic for Gitelman syndrome. Last evaluated: 2024-07-15. Review status: criteria provided, single submitter. Criteria: Natera Variant Classification Schema (03/2026). Collection method: clinical testing. Allele origin: germline.
Comment: The c.1254del variant in SLC12A3 is a frameshift variant predicted to shift the reading frame beginning at codon 419 and leads to a stop codon 29 codons downstream. This variant is expected to result in nonsense mediated decay, truncation, or a dysfunctional protein product. This variant is rare in the general population with a frequency below the threshold expected for the associated phenotype(s). Given the available evidence, this variant is classified as Likely Pathogenic.

NM_001126108.2(SLC12A3):c.1254del (p.Leu419fs)

Gene: SLC12A3 (solute carrier family 12 member 3; plus strand). Cytogenetic location: 16q13.
Variant type: Deletion.
Coding change: c.1254del on transcript NM_001126108.2 (MANE Select); coding-DNA position 1254, one base deleted (G; older notation c.1254delG).
Protein change: p.Leu419fs; shifts the reading frame from leucine 419.
Molecular consequence: frameshift variant.
Genome position (GRCh38, 1-based): chr16:56,879,146, G deleted; the last of 4 consecutive G bases (chr16:56,879,143-56,879,146); deleting any one gives the same sequence. VCF-style (leftmost placement, unchanged base first): chr16-56879142-AG-A. GRCh37 (hg19) VCF-style: chr16-56913054-AG-A.
Other names: c.1254del, p.Leu419fs (NM_000339.3); c.1251del, p.Leu418fs (NM_001126107.2, NM_001410896.1); short protein forms L418fs, L419fs.
Identifiers: ClinVar variation 4818186 (VCV004818186.1).